The following is an entry in ClinVar:

ClinVar aggregate classification (germline): Uncertain significance. Review status: criteria provided, multiple submitters, no conflicts (2 of 4 stars). 2 submissions from 2 submitters: Uncertain significance (2). Last evaluated 2022-04-21.

Allele frequency attached by ClinVar (database versions not stated): gnomAD exomes below 0.00001.
gnomAD v4.1: 1 of 1,611,628 alleles (0.000062%); highest among the groups gnomAD compares: Non-Finnish European, 0.000085%; no homozygotes.

Submissions (2):

Labcorp Genetics (formerly Invitae), Labcorp
Classification: Uncertain significance. Last evaluated: 2022-04-21. Review status: criteria provided, single submitter. Criteria: Invitae Variant Classification Sherloc (09022015). Collection method: clinical testing. Allele origin: germline.
Comment: In summary, the available evidence is currently insufficient to determine the role of this variant in disease. Therefore, it has been classified as a Variant of Uncertain Significance. Algorithms developed to predict the effect of missense changes on protein structure and function are either unavailable or do not agree on the potential impact of this missense change (SIFT: "Tolerated"; PolyPhen-2: "Probably Damaging"; Align-GVGD: "Class C0"). This variant has not been reported in the literature in individuals affected with MKL1-related conditions. This variant is not present in population databases (gnomAD no frequency). This sequence change replaces glutamic acid, which is acidic and polar, with lysine, which is basic and polar, at codon 730 of the MKL1 protein (p.Glu730Lys).

Blueprint Genetics
Classification: Uncertain significance. Last evaluated: 2020-02-20. Review status: criteria provided, single submitter. Criteria: ACMG Guidelines, 2015. Collection method: clinical testing. Allele origin: germline.

NM_020831.6(MRTFA):c.2488G>A (p.Glu830Lys)

Gene: MRTFA (myocardin related transcription factor A; minus strand). Cytogenetic location: 22q13.1.
Variant type: single nucleotide variant.
Coding change: c.2488G>A on transcript NM_020831.6 (MANE Select); coding-DNA position 2488, G replaced by A.
Protein change: p.Glu830Lys; replaces glutamic acid 830 with lysine.
Molecular consequence: missense variant.
Genome position (GRCh38, 1-based): chr22:40,417,370, C>T on the plus strand (G>A on the coding strand, the complement: MRTFA is on the minus strand). VCF-style: chr22-40417370-C-T. GRCh37 (hg19) VCF-style: chr22-40813374-C-T.
Other names: c.2188G>A, p.Glu730Lys (NM_001282660.2); c.2338G>A, p.Glu780Lys (NM_001282661.3); c.2488G>A, p.Glu830Lys (NM_001282662.3); c.2293G>A, p.Glu765Lys (NM_001318139.2); short protein forms E730K, E780K, E765K, E830K.
Identifiers: ClinVar variation 2108311 (VCV002108311.5), dbSNP rs2517806046, ClinGen allele CA411655885.